The following is an entry in ClinVar:

NM_000204.5(CFI):c.645T>C (p.Tyr215=)

Gene: CFI (complement factor I; minus strand). Cytogenetic location: 4q25.
Variant type: single nucleotide variant.
Coding change: c.645T>C on transcript NM_000204.5 (MANE Select); coding-DNA position 645, T replaced by C.
Protein change: p.Tyr215=; no amino-acid change (tyrosine 215 retained).
Molecular consequence: synonymous variant. On other transcripts: non-coding transcript variant (3).
Genome position (GRCh38, 1-based): chr4:109,761,530, A>G on the plus strand (T>C on the coding strand, the complement: CFI is on the minus strand). VCF-style: chr4-109761530-A-G. GRCh37 (hg19) VCF-style: chr4-110682686-A-G.
Other names: c.645T>C, p.Tyr215= (NM_001318057.2, NM_001331035.2, NM_001375278.1 and 5 more transcripts); c.36T>C, p.Tyr12= (NM_001375284.1).
Identifiers: ClinVar variation 3618519 (VCV003618519.8).

ClinVar aggregate classification (germline): Likely benign. Review status: criteria provided, multiple submitters, no conflicts (2 of 4 stars). 2 submissions from 2 submitters: Likely benign (2). Last evaluated 2025-10-01.

gnomAD v4.1: 33 of 1,614,030 alleles (0.002%); highest among the groups gnomAD compares: African/African-American, 0.0027%; no homozygotes.

Submissions (2):

CeGaT Center for Human Genetics Tuebingen
Classification: Likely benign. Last evaluated: 2025-10-01. Review status: criteria provided, single submitter. Criteria: CeGaT Center For Human Genetics Tuebingen Variant Classification Criteria Version 2. Collection method: clinical testing. Allele origin: germline. Affected: yes. Observed: 1 variant allele.
Comment: CFI: BP4, BP7

Labcorp Genetics (formerly Invitae), Labcorp
Classification: Likely benign. Last evaluated: 2024-05-18. Review status: criteria provided, single submitter. Criteria: Invitae Variant Classification Sherloc (09022015). Collection method: clinical testing. Allele origin: germline.